The following is an entry in ClinVar:

NM_001005242.3(PKP2):c.1170+3G>A

Gene: PKP2 (plakophilin 2; minus strand). Cytogenetic location: 12p11.21.
Variant type: single nucleotide variant.
Coding change: c.1170+3G>A on transcript NM_001005242.3 (MANE Select); 3 bases into the intron after coding-DNA position 1170, G replaced by A.
Molecular consequence: intron variant.
Genome position (GRCh38, 1-based): chr12:32,868,924, C>T on the plus strand (G>A on the coding strand, the complement: PKP2 is on the minus strand). VCF-style: chr12-32868924-C-T. GRCh37 (hg19) VCF-style: chr12-33021858-C-T.
Other names: c.1170+3G>A (NM_004572.4).
Identifiers: ClinVar variation 1026062 (VCV001026062.7), dbSNP rs1956872807, ClinGen allele CA2026342645.
Genomic context (GRCh38, chr12:32,868,924, plus strand): 5'-AAAGTCACCATAATAGAAGTGAAAGTGTGTTGCGCTTTGCAATGGACTGAAGATGACACT[C>T]ACCCTCTTCCGAGCTTCAGATTTCTGGAAGCACTCGTGCTGTATGAAAGTAGCTGCAGCA-3'

ClinVar aggregate classification (germline): Uncertain significance (1 of 4 stars; one submission).

Conditions:
Arrhythmogenic right ventricular dysplasia 9 (ARVD9). Also called: Arrhythmogenic Right Ventricular Dysplasia/Cardiomyopathy 9; ARRHYTHMOGENIC RIGHT VENTRICULAR DYSPLASIA, FAMILIAL, 9. Identifiers: MedGen C1836906, MONDO:0012180, OMIM 609040.

Allele frequency attached by ClinVar (database versions not stated): gnomAD exomes below 0.00001.
gnomAD v4.1: 2 of 1,612,488 alleles (0.00012%); highest among the groups gnomAD compares: Admixed American, 0.0017%; no homozygotes.

Submission:

Labcorp Genetics (formerly Invitae), Labcorp
Classification: Uncertain significance for Arrhythmogenic right ventricular dysplasia 9. Last evaluated: 2020-03-12. Review status: criteria provided, single submitter. Criteria: Invitae Variant Classification Sherloc (09022015). Collection method: clinical testing. Allele origin: germline.
Comment: This variant is not present in population databases (ExAC no frequency). In summary, the available evidence is currently insufficient to determine the role of this variant in disease. Therefore, it has been classified as a Variant of Uncertain Significance. Nucleotide substitutions within the consensus splice site are a relatively common cause of aberrant splicing (PMID: 17576681, 9536098). Algorithms developed to predict the effect of sequence changes on RNA splicing suggest that this variant is not likely to affect RNA splicing, but this prediction has not been confirmed by published transcriptional studies. This variant has not been reported in the literature in individuals with PKP2-related conditions. This sequence change falls in intron 4 of the PKP2 gene. It does not directly change the encoded amino acid sequence of the PKP2 protein, but it affects a nucleotide within the consensus splice site of the intron.

Literature cited by the submitters: PubMed 17576681; PubMed 9536098.